The following is an entry in ClinVar:

NM_000553.6(WRN):c.690G>T (p.Leu230Phe)

Gene: WRN (WRN RecQ like helicase; plus strand). Cytogenetic location: 8p12.
Variant type: single nucleotide variant.
Coding change: c.690G>T on transcript NM_000553.6 (MANE Select); coding-DNA position 690, G replaced by T.
Protein change: p.Leu230Phe; replaces leucine 230 with phenylalanine.
Molecular consequence: missense variant.
Genome position (GRCh38, 1-based): chr8:31,068,293, G>T. VCF-style: chr8-31068293-G-T. GRCh37 (hg19) VCF-style: chr8-30925809-G-T.
Other names: short protein forms L230F.
Identifiers: ClinVar variation 1055345 (VCV001055345.3), dbSNP rs2130056605, ClinGen allele CA370917047.

ClinVar aggregate classification (germline): Uncertain significance (1 of 4 stars; one submission).

Conditions:
Werner syndrome (WRN). Identifiers: Orphanet 902, MedGen C0043119, MONDO:0010196, OMIM 277700.

Submission:

Labcorp Genetics (formerly Invitae), Labcorp
Classification: Uncertain significance for Werner syndrome. Last evaluated: 2020-07-27. Review status: criteria provided, single submitter. Criteria: Invitae Variant Classification Sherloc (09022015). Collection method: clinical testing. Allele origin: germline.
Comment: This variant is not present in population databases (ExAC no frequency). This sequence change replaces leucine with phenylalanine at codon 230 of the WRN protein (p.Leu230Phe). The leucine residue is moderately conserved and there is a small physicochemical difference between leucine and phenylalanine. This variant has not been reported in the literature in individuals with WRN-related conditions. In summary, the available evidence is currently insufficient to determine the role of this variant in disease. Therefore, it has been classified as a Variant of Uncertain Significance. Algorithms developed to predict the effect of missense changes on protein structure and function are either unavailable or do not agree on the potential impact of this missense change (SIFT: "Not Available"; PolyPhen-2: "Benign"; Align-GVGD: "Not Available").